The following is an entry in ClinVar:

ClinVar aggregate classification (germline): Uncertain significance (1 of 4 stars; one submission).

Allele frequency attached by ClinVar (database versions not stated): gnomAD exomes below 0.00001 and 0.00001; gnomAD 0.00001.

Submission:

Labcorp Genetics (formerly Invitae), Labcorp
Classification: Uncertain significance. Last evaluated: 2021-11-01. Review status: criteria provided, single submitter. Criteria: Invitae Variant Classification Sherloc (09022015). Collection method: clinical testing. Allele origin: germline.
Comment: In summary, the available evidence is currently insufficient to determine the role of this variant in disease. Therefore, it has been classified as a Variant of Uncertain Significance. Algorithms developed to predict the effect of missense changes on protein structure and function output the following: SIFT: "Tolerated"; PolyPhen-2: "Benign"; Align-GVGD: "Class C0". The valine amino acid residue is found in multiple mammalian species, which suggests that this missense change does not adversely affect protein function. This variant has not been reported in the literature in individuals affected with GORAB-related conditions. This variant is present in population databases (no rsID available, gnomAD 0.006%). This sequence change replaces alanine, which is neutral and non-polar, with valine, which is neutral and non-polar, at codon 5 of the GORAB protein (p.Ala5Val).

NC_000001.11:g.170532162C>T

Genes: GORAB (golgin, RAB6 interacting; plus strand), GORAB-AS1 (GORAB antisense RNA 1; minus strand). Cytogenetic location: 1q24.2.
Variant type: single nucleotide variant.
Genome position: GRCh38 VCF-style: chr1-170532162-C-T. GRCh37 (hg19) VCF-style: chr1-170501303-C-T.
Identifiers: ClinVar variation 1475793 (VCV001475793.5), dbSNP rs1316252562, ClinGen allele CA343159827.